The following is an entry in ClinVar:

NM_052813.5(CARD9):c.442C>T (p.Arg148Trp)

Gene: CARD9 (caspase recruitment domain family member 9; minus strand). Cytogenetic location: 9q34.3.
Variant type: single nucleotide variant.
Coding change: c.442C>T on transcript NM_052813.5 (MANE Select); coding-DNA position 442, C replaced by T.
Protein change: p.Arg148Trp; replaces arginine 148 with tryptophan.
Molecular consequence: missense variant.
Genome position (GRCh38, 1-based): chr9:136,371,026, G>A on the plus strand (C>T on the coding strand, the complement: CARD9 is on the minus strand). VCF-style: chr9-136371026-G-A. GRCh37 (hg19) VCF-style: chr9-139265478-G-A.
Other names: c.442C>T (NM_052813.4); c.442C>T, p.Arg148Trp (NM_052814.4); short protein forms R148W.
Identifiers: ClinVar variation 1390995 (VCV001390995.8), dbSNP rs149206311, ClinGen allele CA5333135.

ClinVar aggregate classification (germline): Uncertain significance. Review status: criteria provided, multiple submitters, no conflicts (2 of 4 stars). 4 submissions from 4 submitters: Uncertain significance (4). Last evaluated 2024-11-27.

Conditions:
Predisposition to invasive fungal disease due to CARD9 deficiency (IMD103). Also called: Candidiasis, familial, 2, autosomal recessive; CARD9 IMMUNODEFICIENCY; IMMUNODEFICIENCY 103, SUSCEPTIBILITY TO FUNGAL INFECTIONS. Identifiers: Orphanet 457088, MedGen C1859353, MONDO:0008905, OMIM 212050.
Inborn genetic diseases. Identifiers: MedGen C0950123, MeSH D030342.

Allele frequency attached by ClinVar (database versions not stated): gnomAD exomes 0.00003 and 0.00008; ExAC 0.00013; gnomAD 0.00023 and 0.00024; TOPMed 0.00025; 1000 Genomes Project 30x 0.00031; ESP Exome Variant Server 0.00031; 1000 Genomes Project 0.00040.

Submissions (4):

Blueprint Genetics
Classification: Uncertain significance. Last evaluated: 2024-11-27. Review status: criteria provided, single submitter. Criteria: ACMG Guidelines, 2015. Collection method: clinical testing. Allele origin: germline.

Labcorp Genetics (formerly Invitae), Labcorp
Classification: Uncertain significance for Predisposition to invasive fungal disease due to CARD9 deficiency. Last evaluated: 2022-08-19. Review status: criteria provided, single submitter. Criteria: Invitae Variant Classification Sherloc (09022015). Collection method: clinical testing. Allele origin: germline.
Comment: This sequence change replaces arginine, which is basic and polar, with tryptophan, which is neutral and slightly polar, at codon 148 of the CARD9 protein (p.Arg148Trp). This variant is present in population databases (rs149206311, gnomAD 0.07%). This variant has not been reported in the literature in individuals affected with CARD9-related conditions. ClinVar contains an entry for this variant (Variation ID: 1390995). Algorithms developed to predict the effect of missense changes on protein structure and function (SIFT, PolyPhen-2, Align-GVGD) all suggest that this variant is likely to be tolerated. Algorithms developed to predict the effect of sequence changes on RNA splicing suggest that this variant may create or strengthen a splice site. In summary, the available evidence is currently insufficient to determine the role of this variant in disease. Therefore, it has been classified as a Variant of Uncertain Significance.

Ambry Genetics
Classification: Uncertain significance for Inborn genetic diseases. Last evaluated: 2022-01-07. Review status: criteria provided, single submitter. Criteria: Ambry Variant Classification Scheme 2023. Collection method: clinical testing. Allele origin: germline.

Breakthrough Genomics
Classification: Uncertain significance. Review status: criteria provided, single submitter. Criteria: ACMG Guidelines, 2015. Collection method: not provided. Allele origin: germline. Inheritance: Autosomal recessive inheritance. Affected: yes.